The following is an entry in ClinVar:

ClinVar aggregate classification (germline): Uncertain significance (1 of 4 stars; one submission).

Submission:

Labcorp Genetics (formerly Invitae), Labcorp
Classification: Uncertain significance. Last evaluated: 2023-12-07. Review status: criteria provided, single submitter. Criteria: Invitae Variant Classification Sherloc (09022015). Collection method: clinical testing. Allele origin: germline.
Comment: This variant results in a copy number gain of the genomic region encompassing exon(s) 1 of the CIB2 gene. This region includes the initiator codon of the gene. This copy number gain extends beyond the assayed region for this gene and therefore may encompass additional genes. As the precise location of this event is unknown, it may be in tandem or it may be located elsewhere in the genome. This variant has not been reported in the literature in individuals affected with CIB2-related conditions. Experimental studies and prediction algorithms are not available or were not evaluated, and the functional significance of this variant is currently unknown. In summary, the available evidence is currently insufficient to determine the role of this variant in disease. Therefore, it has been classified as a Variant of Uncertain Significance.

NC_000015.9:g.(?_78423487)_(78423557_?)dup

Gene: CIB2 (calcium and integrin binding family member 2; minus strand). Cytogenetic location: 15q25.1.
Variant type: Duplication.
Identifiers: ClinVar variation 1036231 (VCV001036231.6).